The following is an entry in ClinVar:

NM_014908.4(DOLK):c.1270A>G (p.Arg424Gly)

Gene: DOLK (dolichol kinase; minus strand). Cytogenetic location: 9q34.11.
Variant type: single nucleotide variant.
Coding change: c.1270A>G on transcript NM_014908.4 (MANE Select); coding-DNA position 1270, A replaced by G.
Protein change: p.Arg424Gly; replaces arginine 424 with glycine.
Molecular consequence: missense variant.
Genome position (GRCh38, 1-based): chr9:128,946,034, T>C on the plus strand (A>G on the coding strand, the complement: DOLK is on the minus strand). VCF-style: chr9-128946034-T-C. GRCh37 (hg19) VCF-style: chr9-131708313-T-C.
Other names: short protein forms R424G.
Identifiers: ClinVar variation 1521364 (VCV001521364.9), dbSNP rs778808864, ClinGen allele CA5271596.
Genomic context (GRCh38, chr9:128,946,034, plus strand): 5'-CACCGGCATAGGGGACGAGGGCCCTGGCTCCTCCCAGGCTACCCTTCTGTGTGCAGGGTC[T>C]GGGGATCAGCCAGATGGGAAGAGACATGCCCAGGAGCAGGTAGATGTGTGTCAGAATGAG-3'
Protein context (NP_055723.1, residues 414-434): GMSLPIWLIP[Arg424Gly]PCTQKGSLGG

ClinVar aggregate classification (germline): Uncertain significance. Review status: criteria provided, multiple submitters, no conflicts (2 of 4 stars). 2 submissions from 2 submitters: Uncertain significance (2). Last evaluated 2024-02-26.

Conditions:
DK1-congenital disorder of glycosylation. Also called: CONGENITAL DISORDER OF GLYCOSYLATION, TYPE Im; CDG Im; DK1-CDG; DK1 DEFICIENCY; DOLICHOL KINASE DEFICIENCY; DOLK-congenital disorder of glycosylation. Identifiers: Orphanet 91131, MedGen C1835849, MONDO:0012556, OMIM 610768.

Allele frequency attached by ClinVar (database versions not stated): gnomAD exomes 0.00002 and 0.00004; ExAC 0.00007.

Submissions (2):

Blueprint Genetics
Classification: Uncertain significance. Last evaluated: 2024-02-26. Review status: criteria provided, single submitter. Criteria: ACMG Guidelines, 2015. Collection method: clinical testing. Allele origin: germline.

Labcorp Genetics (formerly Invitae), Labcorp
Classification: Uncertain significance for DK1-congenital disorder of glycosylation. Last evaluated: 2021-01-30. Review status: criteria provided, single submitter. Criteria: Invitae Variant Classification Sherloc (09022015). Collection method: clinical testing. Allele origin: germline.
Comment: This sequence change replaces arginine with glycine at codon 424 of the DOLK protein (p.Arg424Gly). The arginine residue is moderately conserved and there is a moderate physicochemical difference between arginine and glycine. In summary, the available evidence is currently insufficient to determine the role of this variant in disease. Therefore, it has been classified as a Variant of Uncertain Significance. Algorithms developed to predict the effect of missense changes on protein structure and function (SIFT, PolyPhen-2, Align-GVGD) all suggest that this variant is likely to be tolerated, but these predictions have not been confirmed by published functional studies and their clinical significance is uncertain. This variant has not been reported in the literature in individuals with DOLK-related conditions. This variant is present in population databases (rs778808864, ExAC 0.01%).